The following is an entry in ClinVar:

ClinVar aggregate classification (germline): Uncertain significance (1 of 4 stars; one submission).

Conditions:
Inborn genetic diseases. Identifiers: MedGen C0950123, MeSH D030342.

Submission:

Ambry Genetics
Classification: Uncertain significance for Inborn genetic diseases. Last evaluated: 2023-07-26. Review status: criteria provided, single submitter. Criteria: Ambry Variant Classification Scheme 2023. Collection method: clinical testing. Allele origin: germline.
Comment: The p.S2449L variant (also known as c.7346C>T), located in coding exon 43 of the ATR gene, results from a C to T substitution at nucleotide position 7346. The serine at codon 2449 is replaced by leucine, an amino acid with dissimilar properties. This amino acid position is conserved. In addition, the in silico prediction for this alteration is inconclusive. Since supporting evidence is limited at this time, the clinical significance of this alteration remains unclear.

NM_001184.4(ATR):c.7346C>T (p.Ser2449Leu)

Gene: ATR (ATR checkpoint kinase; minus strand). Cytogenetic location: 3q23.
Variant type: single nucleotide variant.
Coding change: c.7346C>T on transcript NM_001184.4 (MANE Select); coding-DNA position 7346, C replaced by T.
Protein change: p.Ser2449Leu; replaces serine 2449 with leucine.
Molecular consequence: missense variant.
Genome position (GRCh38, 1-based): chr3:142,459,230, G>A on the plus strand (C>T on the coding strand, the complement: ATR is on the minus strand). VCF-style: chr3-142459230-G-A. GRCh37 (hg19) VCF-style: chr3-142178072-G-A.
Other names: c.7154C>T, p.Ser2385Leu (NM_001354579.2); short protein forms S2385L, S2449L.
Identifiers: ClinVar variation 2587573 (VCV002587573.2), dbSNP rs1015400677, ClinGen allele CA84726461.